The following is an entry in ClinVar:

ClinVar aggregate classification (germline): Uncertain significance (1 of 4 stars; one submission).

Conditions:
JAG1-related disorder. Also called: JAG1-related condition; JAG1-related disorders.

gnomAD v4.1: 4 of 1,613,992 alleles (0.00025%); highest among the groups gnomAD compares: Non-Finnish European, 0.00034%; no homozygotes.

Submission:

PreventionGenetics, part of Exact Sciences
Classification: Uncertain significance for JAG1-related condition. Last evaluated: 2026-04-01. Review status: criteria provided, single submitter. Criteria: ACMG Guidelines, 2015. Collection method: clinical testing. Allele origin: germline.
Comment: The JAG1 c.2885C>A variant is predicted to result in the amino acid substitution p.Thr962Lys. To our knowledge, this variant has not been reported in the literature. This variant is reported in 0.00088% of alleles in individuals of European (Non-Finnish) descent in gnomAD. At this time, the clinical significance of this variant is uncertain due to the absence of conclusive functional and genetic evidence.

NM_000214.3(JAG1):c.2885C>A (p.Thr962Lys)

Gene: JAG1 (jagged canonical Notch ligand 1; minus strand). Cytogenetic location: 20p12.2.
Variant type: single nucleotide variant.
Coding change: c.2885C>A on transcript NM_000214.3 (MANE Select); coding-DNA position 2885, C replaced by A.
Protein change: p.Thr962Lys; replaces threonine 962 with lysine.
Molecular consequence: missense variant.
Genome position (GRCh38, 1-based): chr20:10,641,491, G>T on the plus strand (C>A on the coding strand, the complement: JAG1 is on the minus strand). VCF-style: chr20-10641491-G-T. GRCh37 (hg19) VCF-style: chr20-10622139-G-T.
Other names: short protein forms T962K.
Identifiers: ClinVar variation 4997363 (VCV004997363.1).